The following is an entry in ClinVar:

ClinVar aggregate classification (germline): Likely benign. Review status: criteria provided, multiple submitters, no conflicts (2 of 4 stars). 2 submissions from 2 submitters: Likely benign (2). Last evaluated 2025-03-12.

Conditions:
EYS-related disorder. Also called: EYS-related condition.

Allele frequency attached by ClinVar (database versions not stated): gnomAD exomes below 0.00001.
gnomAD v4.1: 1 of 1,548,270 alleles (0.000065%); highest among the groups gnomAD compares: Non-Finnish European, 0.000087%; no homozygotes.

Submissions (2):

PreventionGenetics, part of Exact Sciences
Classification: Likely benign for EYS-related condition. Last evaluated: 2025-03-12. Review status: criteria provided, single submitter. Criteria: ACMG Guidelines, 2015. Collection method: clinical testing. Allele origin: germline.
Comment: This variant is classified as likely benign based on ACMG/AMP sequence variant interpretation guidelines (Richards et al. 2015 PMID: 25741868, with internal and published modifications).

Labcorp Genetics (formerly Invitae), Labcorp
Classification: Likely benign. Last evaluated: 2023-04-04. Review status: criteria provided, single submitter. Criteria: Invitae Variant Classification Sherloc (09022015). Collection method: clinical testing. Allele origin: germline.

NM_001142800.2(EYS):c.3957G>A (p.Leu1319=)

Gene: EYS (EGF-like photoreceptor maintenance factor; minus strand). Cytogenetic location: 6q12.
Variant type: single nucleotide variant.
Coding change: c.3957G>A on transcript NM_001142800.2 (MANE Select); coding-DNA position 3957, G replaced by A.
Protein change: p.Leu1319=; no amino-acid change (leucine 1319 retained).
Molecular consequence: synonymous variant.
Genome position (GRCh38, 1-based): chr6:64,591,910, C>T on the plus strand (G>A on the coding strand, the complement: EYS is on the minus strand). VCF-style: chr6-64591910-C-T. GRCh37 (hg19) VCF-style: chr6-65301803-C-T.
Other names: c.3957G>A (NM_001142800.1); c.3957G>A, p.Leu1319= (NM_001292009.2).
Identifiers: ClinVar variation 2987708 (VCV002987708.4), dbSNP rs2533155585, ClinGen allele CA450761060.
Genomic context (GRCh38, chr6:64,591,910, plus strand): 5'-AAGACTGTGTTTTGCTGAAAGCTCTCTAGTGACAATCAGTTCTTGGAGTAAGTAGCTTTC[C>T]AAGGGTGTGCTAATTCTTAATGTTGCCAAACCAGTGGTTGGGAGAATGTCGTGCTTGACA-3'
Protein context (NP_001136272.1, residues 1309-1329): GLATLRISTP[Leu1319=]ESYLLQELIV